The following is an entry in ClinVar:

NM_000038.6(APC):c.36A>G (p.Gln12=)

Gene: APC (APC regulator of Wnt signaling pathway; plus strand). Cytogenetic location: 5q22.2.
Variant type: single nucleotide variant.
Coding change: c.36A>G on transcript NM_000038.6 (MANE Select); coding-DNA position 36, A replaced by G.
Protein change: p.Gln12=; no amino-acid change (glutamine 12 retained).
Molecular consequence: synonymous variant. On other transcripts: 5 prime UTR variant (1), intron variant (8).
Genome position (GRCh38, 1-based): chr5:112,754,926, A>G. VCF-style: chr5-112754926-A-G. GRCh37 (hg19) VCF-style: chr5-112090623-A-G.
Other names: c.36A>G, p.Gln12= (NM_001127510.3, NM_001354895.2, NM_001354896.2 and 2 more transcripts); c.-1000A>G (NM_001354906.2); c.166-11400A>G (NM_001354897.2, NM_001354902.2, NM_001127511.3); c.61-11400A>G (NM_001354898.2, NM_001354904.2); c.-42-11400A>G (NM_001354900.2, NM_001354901.2, NM_001354905.2).
Identifiers: ClinVar variation 219870 (VCV000219870.62), dbSNP rs864622288, ClinGen allele CA348545.

ClinVar aggregate classification (germline): Benign/Likely benign. Review status: criteria provided, multiple submitters, no conflicts (2 of 4 stars). 8 submissions from 8 submitters: Benign (1); Likely benign (6). 1 of the submissions does not count toward it. Last evaluated 2026-02-03.

Conditions:
APC-related disorder. Also called: APC-related condition.
Classic or attenuated familial adenomatous polyposis. Identifiers: MedGen CN372698, MONDO:0021057.
Hereditary cancer-predisposing syndrome. Also called: Hereditary neoplastic syndrome; Tumor predisposition; Hereditary Cancer Syndrome; Neoplastic Syndromes, Hereditary. Identifiers: Orphanet 140162, MedGen C0027672, MeSH D009386, MONDO:0015356.
Familial adenomatous polyposis 1 (FAP1). Also called: FAMILIAL ADENOMATOUS POLYPOSIS 1, ATTENUATED; POLYPOSIS, ADENOMATOUS INTESTINAL. Identifiers: MedGen C2713442, MONDO:0021056, OMIM 175100. Disease mechanism: loss of function.

Allele frequency attached by ClinVar (database versions not stated): gnomAD exomes below 0.00001 and 0.00001; gnomAD 0.00001.
gnomAD v4.1: 24 of 1,613,734 alleles (0.0015%); highest among the groups gnomAD compares: Non-Finnish European, 0.0019%; no homozygotes.

Submissions (8):

Labcorp Genetics (formerly Invitae), Labcorp
Classification: Likely benign for Familial adenomatous polyposis 1. Last evaluated: 2026-02-03. Review status: criteria provided, single submitter. Criteria: Invitae Variant Classification Sherloc (09022015). Collection method: clinical testing. Allele origin: germline.

Women's Health and Genetics/Laboratory Corporation of America, LabCorp
Classification: Likely benign. Last evaluated: 2025-09-22. Review status: criteria provided, single submitter. Criteria: LabCorp Variant Classification Summary - May 2015. Collection method: clinical testing. Allele origin: germline.
Comment: Variant summary: APC c.36A>G alters a conserved nucleotide resulting in a synonymous change. Consensus agreement among computation tools predict no significant impact on normal splicing. However, these predictions have yet to be confirmed by functional studies. The variant allele was found at a frequency of 4e-06 in 251338 control chromosomes. The available data on variant occurrences in the general population are insufficient to allow any conclusion about variant significance. To our knowledge, no occurrence of c.36A>G in individuals affected with APC-related conditions and no experimental evidence demonstrating its impact on protein function have been reported. ClinVar contains an entry for this variant (Variation ID: 219870). Based on the evidence outlined above, the variant was classified as likely benign.

All of Us Research Program, National Institutes of Health
Classification: Likely benign for Classic or attenuated familial adenomatous polyposis. Last evaluated: 2024-03-14. Review status: criteria provided, single submitter. Criteria: ACMG Guidelines, 2015. Collection method: clinical testing. Allele origin: germline. Inheritance: Autosomal dominant inheritance. Observed: 7 variant alleles, 7 heterozygotes.
Comment: This study involves interpretation of variants in research participants for the purpose of population health screening. Participant phenotype was not available at the time of variant classification. Additional details can be found in publication PMID: 35346344, PMCID: PMC8962531

Myriad Genetics, Inc.
Classification: Benign for Familial adenomatous polyposis 1. Last evaluated: 2024-02-22. Review status: criteria provided, single submitter. Criteria: Myriad Autosomal Dominant, Autosomal Recessive and X-Linked Classification Criteria (2023). Collection method: clinical testing. Allele origin: unknown.
Comment: This variant is considered benign. This variant is a silent/synonymous amino acid change and it is not expected to impact splicing.

GeneDx
Classification: Likely benign. Last evaluated: 2017-08-25. Review status: criteria provided, single submitter. Criteria: GeneDx Variant Classification (06012015). Collection method: clinical testing. Allele origin: germline. Affected: yes.
Comment: This variant is considered likely benign or benign based on one or more of the following criteria: it is a conservative change, it occurs at a poorly conserved position in the protein, it is predicted to be benign by multiple in silico algorithms, and/or has population frequency not consistent with disease.

Color Diagnostics, LLC DBA Color Health
Classification: Likely benign for Hereditary cancer-predisposing syndrome. Last evaluated: 2016-05-03. Review status: criteria provided, single submitter. Criteria: ACMG Guidelines, 2015. Collection method: clinical testing. Allele origin: germline.

Ambry Genetics
Classification: Likely benign for Hereditary cancer-predisposing syndrome. Last evaluated: 2015-11-24. Review status: criteria provided, single submitter. Criteria: Ambry Variant Classification Scheme 2023. Collection method: clinical testing. Allele origin: germline.

PreventionGenetics, part of Exact Sciences
Classification: Likely benign for APC-related condition. Last evaluated: 2019-12-06. Review status: no assertion criteria provided. Collection method: clinical testing. Allele origin: germline. Not counted in ClinVar's aggregate classification.
Comment: This variant is classified as likely benign based on ACMG/AMP sequence variant interpretation guidelines (Richards et al. 2015 PMID: 25741868, with internal and published modifications).